The following is an entry in ClinVar:

NM_024312.5(GNPTAB):c.2675del (p.Leu892fs)

Gene: GNPTAB (N-acetylglucosamine-1-phosphate transferase subunits alpha and beta; minus strand). Cytogenetic location: 12q23.2.
Variant type: Deletion.
Coding change: c.2675del on transcript NM_024312.5 (MANE Select); coding-DNA position 2675, one base deleted (T; older notation c.2675delT).
Protein change: p.Leu892fs; shifts the reading frame from leucine 892.
Molecular consequence: frameshift variant.
Genome position (GRCh38, 1-based): chr12:101,764,242, A deleted on the plus strand (T on the coding strand, the reverse complement: GNPTAB is on the minus strand); the first of 5 consecutive A bases (chr12:101,764,242-101,764,246); deleting any one gives the same sequence. VCF-style (leftmost placement, unchanged base first): chr12-101764241-CA-C. GRCh37 (hg19) VCF-style: chr12-102158019-CA-C.
Other names: short protein forms L892fs.
Identifiers: ClinVar variation 1382090 (VCV001382090.6), dbSNP rs1555269488, ClinGen allele CA2058955323.

ClinVar aggregate classification (germline): Pathogenic (1 of 4 stars; one submission).

Conditions:
Pseudo-Hurler polydystrophy. Also called: ML III; ML III ALPHA/BETA; MUCOLIPIDOSIS IIIA; Type III Mucolipidosis; ML IIIA; Mucolipidosis III Alpha/Beta. Identifiers: Orphanet 423461, Orphanet 577, MedGen C0033788, MONDO:0018931, OMIM 252600.
Mucolipidosis type II. Also called: ML II ALPHA/BETA; Mucolipidosis 2; ML 2; Inclusion cell disease; Leroy Disease; N-acetylglucosamine 1phosphotransferase deficiency. Identifiers: Orphanet 576, MedGen C2673377, MONDO:0009650, OMIM 252500.

Submission:

Labcorp Genetics (formerly Invitae), Labcorp
Classification: Pathogenic for Pseudo-Hurler polydystrophy; Mucolipidosis type II. Last evaluated: 2024-12-16. Review status: criteria provided, single submitter. Criteria: Invitae Variant Classification Sherloc (09022015). Collection method: clinical testing. Allele origin: germline.
Comment: This sequence change creates a premature translational stop signal (p.Leu892Cysfs*19) in the GNPTAB gene. It is expected to result in an absent or disrupted protein product. Loss-of-function variants in GNPTAB are known to be pathogenic (PMID: 19617216, 25107912). This variant is not present in population databases (gnomAD no frequency). This variant has not been reported in the literature in individuals affected with GNPTAB-related conditions. ClinVar contains an entry for this variant (Variation ID: 1382090). For these reasons, this variant has been classified as Pathogenic.

Literature cited by the submitters: PubMed 19617216; PubMed 25107912.